The following is an entry in ClinVar:

NM_000112.4(SLC26A2):c.1994dup (p.His665fs)

Gene: SLC26A2 (solute carrier family 26 member 2; plus strand). Cytogenetic location: 5q32.
Variant type: Duplication.
Coding change: c.1994dup on transcript NM_000112.4 (MANE Select); coding-DNA position 1994, one base duplicated (A; older notation c.1994dupA).
Protein change: p.His665fs; shifts the reading frame from histidine 665.
Molecular consequence: frameshift variant.
Genome position (GRCh38, 1-based): chr5:149,981,587, A duplicated. VCF-style (leftmost placement, unchanged base first): chr5-149981586-C-CA. GRCh37 (hg19) VCF-style: chr5-149361149-C-CA.
Other names: c.1994dupA (NM_000112.3); short protein forms H665fs.
Identifiers: ClinVar variation 1285445 (VCV001285445.9), dbSNP rs2113699563, ClinGen allele CA2499217725.
Genomic context (GRCh38, chr5:149,981,586, plus strand): 5'-GAGCTGCATACTATAGTGATTGACTGCAGTGCAATTCAATTTTTAGATACAGCAGGGATC[C>CA]ACACACTGAAAGAAGTTCGCAGAGATTATGAAGCCATTGGAATCCAGGTTCTGCTGGCTC-3'

ClinVar aggregate classification (germline): Pathogenic/Likely pathogenic. Review status: criteria provided, multiple submitters, no conflicts (2 of 4 stars). 4 submissions from 4 submitters: Pathogenic (1); Likely pathogenic (3). Last evaluated 2025-07-14.

Conditions:
Diastrophic dysplasia (DTD). Also called: Diastrophic dwarfism. Identifiers: Orphanet 628, MedGen C0220726, MONDO:0009107, OMIM 222600.
Multiple epiphyseal dysplasia type 4 (EDM4). Also called: Multiple Epiphyseal Dysplasia, Recessive; SLC26A2-Related Multiple Epiphyseal Dysplasia; MULTIPLE EPIPHYSEAL DYSPLASIA WITH BILAYERED PATELLAE; MULTIPLE EPIPHYSEAL DYSPLASIA WITH CLUBFOOT; MULTIPLE EPIPHYSEAL DYSPLASIA, AUTOSOMAL RECESSIVE. Identifiers: Orphanet 93307, MedGen C1847593, MONDO:0009189, OMIM 226900.
Atelosteogenesis type II (AO2). Also called: Neonatal osseous dysplasia 1; NEONATAL OSSEOUS DYSPLASIA I; SLC26A2-Related Atelosteogenesis. Identifiers: Orphanet 56304, MedGen C1850554, MONDO:0009727, OMIM 256050.
Achondrogenesis, type IB (ACG1B). Also called: Achondrogenesis Type 1B. Identifiers: Orphanet 932, Orphanet 93298, MedGen C0265274, MONDO:0010966, OMIM 600972.

Allele frequency attached by ClinVar (database versions not stated): gnomAD exomes below 0.00001.

Submissions (4):

Labcorp Genetics (formerly Invitae), Labcorp
Classification: Pathogenic for Atelosteogenesis type II; Multiple epiphyseal dysplasia type 4; Achondrogenesis, type IB; Diastrophic dysplasia. Last evaluated: 2025-07-14. Review status: criteria provided, single submitter. Criteria: Invitae Variant Classification Sherloc (09022015). Collection method: clinical testing. Allele origin: germline.
Comment: This sequence change creates a premature translational stop signal (p.His665Glnfs*11) in the SLC26A2 gene. While this is not anticipated to result in nonsense mediated decay, it is expected to disrupt the last 75 amino acid(s) of the SLC26A2 protein. This variant is not present in population databases (gnomAD no frequency). This variant has not been reported in the literature in individuals affected with SLC26A2-related conditions. ClinVar contains an entry for this variant (Variation ID: 1285445). This variant disrupts a region of the SLC26A2 protein in which other variant(s) (p.Ala715Val) have been determined to be pathogenic (PMID: 8571951, 21077204, 21922596; internal data.). This suggests that this is a clinically significant region of the protein, and that variants that disrupt it are likely to be disease-causing. For these reasons, this variant has been classified as Pathogenic.

Natera, Inc.
Classification: Likely pathogenic for Achondrogenesis type IB. Last evaluated: 2025-05-19. Review status: criteria provided, single submitter. Criteria: Natera Variant Classification Schema (03/2026). Collection method: clinical testing. Allele origin: germline.
Comment: The c.1994dupA variant in SLC26A2 is a frameshift variant predicted to shift the reading frame beginning at codon 665 and leads to a stop codon 11 codons downstream. This variant is expected to result in nonsense mediated decay, truncation, or a dysfunctional protein product. This variant is rare in the general population with a frequency below the threshold expected for the associated phenotype(s). Given the available evidence, this variant is classified as Likely Pathogenic.

Baylor Genetics
Classification: Likely pathogenic for Achondrogenesis, type IB. Last evaluated: 2023-07-29. Review status: criteria provided, single submitter. Criteria: ACMG Guidelines, 2015. Collection method: clinical testing. Allele origin: unknown.

Institute of Human Genetics, University of Leipzig Medical Center
Classification: Likely pathogenic for Diastrophic dysplasia. Last evaluated: 2020-11-09. Review status: criteria provided, single submitter. Criteria: ACMG Guidelines, 2015. Collection method: clinical testing. Allele origin: maternal, unknown. Affected: yes.

Literature cited by the submitters: PubMed 8571951 (cited by Labcorp Genetics (formerly Invitae), Labcorp); PubMed 21077204 (cited by Labcorp Genetics (formerly Invitae), Labcorp); PubMed 21922596 (cited by Labcorp Genetics (formerly Invitae), Labcorp).